The following is an entry in ClinVar:

ClinVar aggregate classification (germline): Uncertain significance (1 of 4 stars; one submission).

Allele frequency attached by ClinVar (database versions not stated): TOPMed below 0.00001; gnomAD 0.00001.
gnomAD v4.1: 1 of 1,613,998 alleles (0.000062%); highest among the groups gnomAD compares: African/African-American, 0.0013%; no homozygotes.

Submission:

Athena Diagnostics
Classification: Uncertain significance. Last evaluated: 2023-09-01. Review status: criteria provided, single submitter. Criteria: Athena Diagnostics Criteria. Collection method: clinical testing. Allele origin: unknown.
Comment: Available data are insufficient to determine the clinical significance of the variant at this time. This variant has not been reported in large, multi-ethnic general populations. Computational tools disagree on the variant's effect on normal protein function.

NM_182961.4(SYNE1):c.25851C>G (p.Cys8617Trp)

Gene: SYNE1 (spectrin repeat containing nuclear envelope protein 1; minus strand). Cytogenetic location: 6q25.2.
Variant type: single nucleotide variant.
Coding change: c.25851C>G on transcript NM_182961.4 (MANE Select); coding-DNA position 25851, C replaced by G.
Protein change: p.Cys8617Trp; replaces cysteine 8617 with tryptophan.
Molecular consequence: missense variant.
Genome position (GRCh38, 1-based): chr6:152,133,426, G>C on the plus strand (C>G on the coding strand, the complement: SYNE1 is on the minus strand). VCF-style: chr6-152133426-G-C. GRCh37 (hg19) VCF-style: chr6-152454561-G-C.
Other names: c.2457C>G, p.Cys819Trp (NM_001347701.2); c.2385C>G, p.Cys795Trp (NM_001347702.2); c.25707C>G, p.Cys8569Trp (NM_033071.5); short protein forms C795W, C819W, C8569W, C8617W.
Identifiers: ClinVar variation 2684056 (VCV002684056.1), dbSNP rs781236317, ClinGen allele CA366077218.